The following is an entry in ClinVar:

NM_058246.4(DNAJB6):c.577A>G (p.Thr193Ala)

Gene: DNAJB6 (DnaJ heat shock protein family (Hsp40) member B6; plus strand). Cytogenetic location: 7q36.3.
Variant type: single nucleotide variant.
Coding change: c.577A>G on transcript NM_058246.4 (MANE Select); coding-DNA position 577, A replaced by G.
Protein change: p.Thr193Ala; replaces threonine 193 with alanine.
Molecular consequence: missense variant. On other transcripts: intron variant (1).
Genome position (GRCh38, 1-based): chr7:157,384,965, A>G. VCF-style: chr7-157384965-A-G. GRCh37 (hg19) VCF-style: chr7-157177659-A-G.
Other names: rs770053224; c.577A>G, p.Thr193Ala (NM_005494.3); c.346+17482A>G (NM_001363676.1); short protein forms T193A.
Identifiers: ClinVar variation 870632 (VCV000870632.15), dbSNP rs770053224, ClinGen allele CA4590559.
Genomic context (GRCh38, chr7:157,384,965, plus strand): 5'-ACTTCATTCTCTTCCACGTCATTTGGTGGTAGTGGCATGGGCAACTTCAAATCGATATCA[A>G]CTTCAACTAAAATGGTTAATGGCAGAAAAATCACTACAAAGAGGTACTGTGGTATTCTGC-3'
Protein context (NP_490647.1, residues 183-203): SGMGNFKSIS[Thr193Ala]STKMVNGRKI

ClinVar aggregate classification (germline): Uncertain significance. Review status: criteria provided, multiple submitters, no conflicts (2 of 4 stars). 3 submissions from 3 submitters: Uncertain significance (2). 1 of the submissions does not count toward it. Last evaluated 2022-07-27.

Conditions:
Autosomal dominant limb-girdle muscular dystrophy type 1D (DNAJB6) (LGMDD1). Also called: MUSCULAR DYSTROPHY, LIMB-GIRDLE, TYPE 1D; Autosomal dominant limb-girdle muscular dystrophy type 1D; Muscular dystrophy, limb-girdle, autosomal dominant 1; MUSCULAR DYSTROPHY, AUTOSOMAL DOMINANT, WITH RIMMED VACUOLES. Identifiers: Orphanet 34516, MedGen C4721885, MONDO:0021018, OMIM 603511.
Parkinson disease, late-onset (PD). Also called: Hereditary late onset Parkinson disease; Susceptibility to Parkinson's Disease; PARKINSON DISEASE, LATE-ONSET, SUSCEPTIBILITY TO. Identifiers: Orphanet 411602, MedGen C3160718, MONDO:0008199, OMIM 168600.

Allele frequency attached by ClinVar (database versions not stated): TOPMed below 0.00001; gnomAD exomes 0.00001 and 0.00003; ExAC 0.00002.
gnomAD v4.1: 41 of 1,614,136 alleles (0.0025%); highest among the groups gnomAD compares: South Asian, 0.0099%; no homozygotes.

Submissions (3):

Revvity Omics, Revvity
Classification: Uncertain significance for Autosomal dominant limb-girdle muscular dystrophy type 1D (DNAJB6). Last evaluated: 2022-07-27. Review status: criteria provided, single submitter. Criteria: ACMG Guidelines, 2015. Collection method: clinical testing. Allele origin: germline.

Labcorp Genetics (formerly Invitae), Labcorp
Classification: Uncertain significance for Autosomal dominant limb-girdle muscular dystrophy type 1D (DNAJB6). Last evaluated: 2021-02-22. Review status: criteria provided, single submitter. Criteria: Invitae Variant Classification Sherloc (09022015). Collection method: clinical testing. Allele origin: germline.
Comment: This sequence change replaces threonine with alanine at codon 193 of the DNAJB6 protein (p.Thr193Ala). The threonine residue is highly conserved and there is a small physicochemical difference between threonine and alanine. This variant is present in population databases (rs770053224, ExAC 0.006%). This variant has not been reported in the literature in individuals with DNAJB6-related conditions. ClinVar contains an entry for this variant (Variation ID: 870632). Algorithms developed to predict the effect of missense changes on protein structure and function are either unavailable or do not agree on the potential impact of this missense change (SIFT: "Tolerated"; PolyPhen-2: "Not Available"; Align-GVGD: "Class C0"). Algorithms developed to predict the effect of sequence changes on RNA splicing suggest that this variant may create or strengthen a splice site, but this prediction has not been confirmed by published transcriptional studies. In summary, the available evidence is currently insufficient to determine the role of this variant in disease. Therefore, it has been classified as a Variant of Uncertain Significance.

Institute for Pathophysiology, Universitaetsmedizin JGU Mainz
Classification: Likely pathogenic for Parkinson disease, late-onset. Review status: no assertion criteria provided. Collection method: research. Allele origin: germline. Inheritance: Autosomal dominant inheritance. Affected: yes. Observed: 4 variant alleles, 4 heterozygotes. Not counted in ClinVar's aggregate classification.
Comment: The Thr193Ala variant in DNAJB6 is reported in 1 family with autosomal dominant Parkinson's disease, segregated with the disease in four affected relatives, and was absent from a large control population. Additionally, in vitro, functional studies indicate that the Thr193Ala variant disrupts normal DNAJB6 function. In summary, the Thr193Ala variant is classified as likely pathogenic based upon segregation studies, absence from controls, and functional evidence in vitro.